The following is an entry in ClinVar:

ClinVar aggregate classification (germline): Likely benign (1 of 4 stars; one submission).

Submission:

Women's Health and Genetics/Laboratory Corporation of America, LabCorp
Classification: Likely benign. Last evaluated: 2025-11-03. Review status: criteria provided, single submitter. Criteria: LabCorp Variant Classification Summary - May 2015. Collection method: clinical testing. Allele origin: germline.
Comment: Variant summary: FBN1 c.2773C>T results in a synonymous change. Consensus agreement among computation tools predict no significant impact on normal splicing. However, these predictions have yet to be confirmed by functional studies. The variant was absent in 251424 control chromosomes. The available data on variant occurrences in the general population are insufficient to allow any conclusion about variant significance. To our knowledge, no occurrence of c.2773C>T in individuals affected with FBN1-related conditions and no experimental evidence demonstrating its impact on protein function have been reported. No submitters have cited clinical-significance assessments for this variant to ClinVar. Based on the evidence outlined above, the variant was classified as likely benign.

NM_000138.5(FBN1):c.2773C>T (p.Leu925=)

Gene: FBN1 (fibrillin 1; minus strand). Cytogenetic location: 15q21.1.
Variant type: single nucleotide variant.
Coding change: c.2773C>T on transcript NM_000138.5 (MANE Select); coding-DNA position 2773, C replaced by T.
Protein change: p.Leu925=; no amino-acid change (leucine 925 retained).
Molecular consequence: synonymous variant.
Genome position (GRCh38, 1-based): chr15:48,492,542, G>A on the plus strand (C>T on the coding strand, the complement: FBN1 is on the minus strand). VCF-style: chr15-48492542-G-A. GRCh37 (hg19) VCF-style: chr15-48784739-G-A.
Other names: c.2773C>T, p.Leu925= (NM_001406716.1).
Identifiers: ClinVar variation 4537137 (VCV004537137.1).
Genomic context (GRCh38, chr15:48,492,542, plus strand): 5'-CATCCAAAGTCATTCCACTGGGACACTGACACTTGAATGACCCCCTAGTGTTAACACACA[G>A]GCCATTTTTACACACTCCTGGGAACACTTCACATTCATCTATATCTAAAAAGAAAAAAAA-3'
Protein context (NP_000129.3, residues 915-935): EVFPGVCKNG[Leu925=]CVNTRGSFKC